The following is an entry in ClinVar:

NM_015512.5(DNAH1):c.8695G>T (p.Ala2899Ser)

Gene: DNAH1 (dynein axonemal heavy chain 1; plus strand). Cytogenetic location: 3p21.1.
Variant type: single nucleotide variant.
Coding change: c.8695G>T on transcript NM_015512.5 (MANE Select); coding-DNA position 8695, G replaced by T.
Protein change: p.Ala2899Ser; replaces alanine 2899 with serine.
Molecular consequence: missense variant.
Genome position (GRCh38, 1-based): chr3:52,386,229, G>T. VCF-style: chr3-52386229-G-T. GRCh37 (hg19) VCF-style: chr3-52420245-G-T.
Other names: c.8695G>T (NM_015512.4); short protein forms A2899S.
Identifiers: ClinVar variation 1063686 (VCV001063686.7), dbSNP rs765908379, ClinGen allele CA2435301.

ClinVar aggregate classification (germline): Uncertain significance. Review status: criteria provided, multiple submitters, no conflicts (2 of 4 stars). 3 submissions from 3 submitters: Uncertain significance (2). 1 of the submissions does not count toward it. Last evaluated 2026-01-19.

Conditions:
DNAH1-related disorder. Also called: DNAH1-related condition.
Spermatogenic failure 18. Identifiers: MedGen C4539783, MONDO:0054615, OMIM 617576.
Ciliary dyskinesia, primary, 37 (CILD37). Also called: CILIARY DYSKINESIA, PRIMARY, 37, WITH OR WITHOUT SITUS INVERSUS. Identifiers: MedGen C4539798, MONDO:0033204, OMIM 617577.

Allele frequency attached by ClinVar (database versions not stated): ExAC 0.00003; gnomAD exomes 0.00004; gnomAD 0.00012 and 0.00016; TOPMed 0.00018.
gnomAD v4.1: 38 of 1,613,618 alleles (0.0024%); highest among the groups gnomAD compares: African/African-American, 0.037%; no homozygotes.

Submissions (3):

Labcorp Genetics (formerly Invitae), Labcorp
Classification: Uncertain significance for Ciliary dyskinesia, primary, 37; Spermatogenic failure 18. Last evaluated: 2026-01-19. Review status: criteria provided, single submitter. Criteria: Invitae Variant Classification Sherloc (09022015). Collection method: clinical testing. Allele origin: germline.
Comment: This sequence change replaces alanine, which is neutral and non-polar, with serine, which is neutral and polar, at codon 2899 of the DNAH1 protein (p.Ala2899Ser). This variant is present in population databases (rs765908379, gnomAD 0.04%). This variant has not been reported in the literature in individuals affected with DNAH1-related conditions. ClinVar contains an entry for this variant (Variation ID: 1063686). Invitae Evidence Modeling of protein sequence and biophysical properties (such as structural, functional, and spatial information, amino acid conservation, physicochemical variation, residue mobility, and thermodynamic stability) indicates that this missense variant is expected to disrupt DNAH1 protein function with a positive predictive value of 80%. In summary, the available evidence is currently insufficient to determine the role of this variant in disease. Therefore, it has been classified as a Variant of Uncertain Significance.

Ambry Genetics
Classification: Uncertain significance. Last evaluated: 2024-01-03. Review status: criteria provided, single submitter. Criteria: Ambry Variant Classification Scheme 2023. Collection method: clinical testing. Allele origin: germline.

PreventionGenetics, part of Exact Sciences
Classification: Uncertain significance for DNAH1-related condition. Last evaluated: 2024-03-24. Review status: no assertion criteria provided. Collection method: clinical testing. Allele origin: germline. Not counted in ClinVar's aggregate classification.
Comment: The DNAH1 c.8695G>T variant is predicted to result in the amino acid substitution p.Ala2899Ser. To our knowledge, this variant has not been reported in the literature. This variant is reported in 0.042% of alleles in individuals of African descent in gnomAD. At this time, the clinical significance of this variant is uncertain due to the absence of conclusive functional and genetic evidence.